The following is an entry in ClinVar:

NM_138694.4(PKHD1):c.5236G>A (p.Gly1746Ser)

Genes: PKHD1 (PKHD1 ciliary IPT domain containing fibrocystin/polyductin; minus strand), LOC126859690 (MED14-independent group 3 enhancer GRCh37_chr6:51888848-51890047; plus strand). Cytogenetic location: 6p12.2.
Variant type: single nucleotide variant.
Coding change: c.5236G>A on transcript NM_138694.4 (MANE Select); coding-DNA position 5236, G replaced by A.
Protein change: p.Gly1746Ser; replaces glycine 1746 with serine.
Molecular consequence: missense variant.
Genome position (GRCh38, 1-based): chr6:52,024,574, C>T on the plus strand (G>A on the coding strand, the complement: PKHD1 is on the minus strand). VCF-style: chr6-52024574-C-T. GRCh37 (hg19) VCF-style: chr6-51889372-C-T.
Other names: p.Gly1746Ser; c.5236G>A, p.Gly1746Ser (NM_170724.3); short protein forms G1746S.
Identifiers: ClinVar variation 2136416 (VCV002136416.4), dbSNP rs745387993, ClinGen allele CA3852582.

ClinVar aggregate classification (germline): Uncertain significance. Review status: criteria provided, multiple submitters, no conflicts (2 of 4 stars). 4 submissions from 4 submitters: Uncertain significance (4). Last evaluated 2024-04-08.

Conditions:
Autosomal recessive polycystic kidney disease (ARPKD). Also called: AR polycystic kidney disease. Identifiers: Orphanet 731, Orphanet 8378, MedGen C0085548, MeSH D017044, MONDO:0009889.
Polycystic kidney disease 4 (PKD4). Also called: POLYCYSTIC KIDNEY DISEASE 4 WITH OR WITHOUT POLYCYSTIC LIVER DISEASE; PKD3; Autosomal Recessive Polycystic Kidney Disease – PKHD1; POLYCYSTIC KIDNEY AND HEPATIC DISEASE 1; POLYCYSTIC KIDNEY DISEASE, INFANTILE, TYPE I. Identifiers: MedGen C4540575, MONDO:0033004, OMIM 263200.

Allele frequency attached by ClinVar (database versions not stated): ExAC 0.00001.
gnomAD v4.1: 27 of 1,613,696 alleles (0.0017%); highest among the groups gnomAD compares: South Asian, 0.0066%; no homozygotes.

Submissions (4):

Fulgent Genetics
Classification: Uncertain significance for Polycystic kidney disease 4. Last evaluated: 2024-04-08. Review status: criteria provided, single submitter. Criteria: ACMG Guidelines, 2015. Collection method: clinical testing. Allele origin: germline.

Mayo Clinic Laboratories, Mayo Clinic
Classification: Uncertain significance. Last evaluated: 2023-08-11. Review status: criteria provided, single submitter. Criteria: ACMG Guidelines, 2015. Collection method: clinical testing. Allele origin: germline. Observed: 1 variant allele.
Comment: PP3

Labcorp Genetics (formerly Invitae), Labcorp
Classification: Uncertain significance for Autosomal recessive polycystic kidney disease. Last evaluated: 2022-03-04. Review status: criteria provided, single submitter. Criteria: Invitae Variant Classification Sherloc (09022015). Collection method: clinical testing. Allele origin: germline.
Comment: This sequence change affects codon 1746 of the PKHD1 mRNA. It is a 'silent' change, meaning that it does not change the encoded amino acid sequence of the PKHD1 protein. This variant also falls at the last nucleotide of exon 32, which is part of the consensus splice site for this exon. This variant is present in population databases (rs745387993, gnomAD 0.01%). This variant has been observed in individual(s) with PKHD1-related conditions (PMID: 15805161). Algorithms developed to predict the effect of missense changes on protein structure and function are either unavailable or do not agree on the potential impact of this missense change (SIFT: "Deleterious"; PolyPhen-2: "Probably Damaging"; Align-GVGD: "Class C0"). Variants that disrupt the consensus splice site are a relatively common cause of aberrant splicing (PMID: 17576681, 9536098). Algorithms developed to predict the effect of sequence changes on RNA splicing suggest that this variant may disrupt the consensus splice site. In summary, the available evidence is currently insufficient to determine the role of this variant in disease. Therefore, it has been classified as a Variant of Uncertain Significance.

Neuberg Centre For Genomic Medicine, NCGM
Classification: Uncertain significance for Polycystic kidney disease 4. Review status: criteria provided, single submitter. Criteria: ACMG Guidelines, 2015. Collection method: clinical testing. Allele origin: germline. Inheritance: Autosomal recessive inheritance. Affected: yes.
Comment: The missense variant c.5236G>A p.Gly1746Ser in the PKHD1 gene has not been reported previously as a pathogenic variant nor as a benign variant, to our knowledge. This variant is reported with the allele frequency 0.002% in the gnomAD Exomes and novel not in any individuals in 1000 Genomes. This variant has been reported to the ClinVar database as Uncertain Significance. However, no details are available for independent assessment. The amino acid Glycine at position 1746 is changed to a Serine changing protein sequence and it might alter its composition and physico- chemical properties. The variant is predicted as damaging by SIFT. The amino acid change p.Gly1746Ser in PKHD1 is predicted as conserved by GERP++ and PhyloP across 100 vertebrates. For these reasons, this variant has been classified as Uncertain Significance.

Literature cited by the submitters: PubMed 15805161 (cited by Mayo Clinic Laboratories, Mayo Clinic and Labcorp Genetics (formerly Invitae), Labcorp); PubMed 17576681 (cited by Labcorp Genetics (formerly Invitae), Labcorp); PubMed 9536098 (cited by Labcorp Genetics (formerly Invitae), Labcorp).